The following is an entry in ClinVar:

NM_001414.4(EIF2B1):c.306_308del (p.Arg103del)

Gene: EIF2B1 (eukaryotic translation initiation factor 2B subunit alpha; minus strand). Cytogenetic location: 12q24.31.
Variant type: Deletion.
Coding change: c.306_308del on transcript NM_001414.4 (MANE Select); coding-DNA positions 306 to 308, 3 bases deleted (GAG; older notation c.306_308delGAG).
Protein change: p.Arg103del; deletes arginine 103.
Molecular consequence: inframe deletion.
Genome position (GRCh38, 1-based): chr12:123,630,230-123,630,232, CTC deleted on the plus strand (GAG on the coding strand, the reverse complement: EIF2B1 is on the minus strand); deleting any 3 consecutive bases within chr12:123,630,230-123,630,234 gives the same sequence; the c. name uses the placement nearest the transcript's 3' end. VCF-style (leftmost placement, unchanged base first): chr12-123630229-TCTC-T. GRCh37 (hg19) VCF-style: chr12-124114776-TCTC-T.
Other names: short protein forms R103del.
Identifiers: ClinVar variation 1933346 (VCV001933346.2), dbSNP rs1955177918, ClinGen allele CA2068931361.

ClinVar aggregate classification (germline): Uncertain significance (1 of 4 stars; one submission).

Submission:

Labcorp Genetics (formerly Invitae), Labcorp
Classification: Uncertain significance. Last evaluated: 2022-03-26. Review status: criteria provided, single submitter. Criteria: Invitae Variant Classification Sherloc (09022015). Collection method: clinical testing. Allele origin: germline.
Comment: This variant, c.306_308del, results in the deletion of 1 amino acid(s) of the EIF2B1 protein (p.Arg103del), but otherwise preserves the integrity of the reading frame. This variant is not present in population databases (gnomAD no frequency). This variant has not been reported in the literature in individuals affected with EIF2B1-related conditions. Experimental studies and prediction algorithms are not available or were not evaluated, and the functional significance of this variant is currently unknown. In summary, the available evidence is currently insufficient to determine the role of this variant in disease. Therefore, it has been classified as a Variant of Uncertain Significance.